The following is an entry in ClinVar:

ClinVar aggregate classification (germline): Uncertain significance (1 of 4 stars; one submission).

Conditions:
Cryopyrin associated periodic syndrome (CAPS). Identifiers: Orphanet 208650, MedGen C2316212, MONDO:0016168.

Allele frequency attached by ClinVar (database versions not stated): gnomAD exomes below 0.00001.
gnomAD v4.1: 3 of 1,614,248 alleles (0.00019%); highest among the groups gnomAD compares: Non-Finnish European, 0.00017%; no homozygotes.

Submission:

Labcorp Genetics (formerly Invitae), Labcorp
Classification: Uncertain significance for Cryopyrin associated periodic syndrome. Last evaluated: 2025-02-17. Review status: criteria provided, single submitter. Criteria: Invitae Variant Classification Sherloc (09022015). Collection method: clinical testing. Allele origin: germline.
Comment: This sequence change replaces alanine, which is neutral and non-polar, with glutamic acid, which is acidic and polar, at codon 394 of the NLRP3 protein (p.Ala394Glu). This variant is not present in population databases (gnomAD no frequency). This variant has not been reported in the literature in individuals affected with NLRP3-related conditions. ClinVar contains an entry for this variant (Variation ID: 536883). Invitae Evidence Modeling of protein sequence and biophysical properties (such as structural, functional, and spatial information, amino acid conservation, physicochemical variation, residue mobility, and thermodynamic stability) indicates that this missense variant is not expected to disrupt NLRP3 protein function with a negative predictive value of 95%. In summary, the available evidence is currently insufficient to determine the role of this variant in disease. Therefore, it has been classified as a Variant of Uncertain Significance.

NM_001243133.2(NLRP3):c.1175C>A (p.Ala392Glu)

Gene: NLRP3 (NLR family pyrin domain containing 3; plus strand). Cytogenetic location: 1q44.
Variant type: single nucleotide variant.
Coding change: c.1175C>A on transcript NM_001243133.2 (MANE Select); coding-DNA position 1175, C replaced by A.
Protein change: p.Ala392Glu; replaces alanine 392 with glutamic acid.
Molecular consequence: missense variant.
Genome position (GRCh38, 1-based): chr1:247,424,624, C>A. VCF-style: chr1-247424624-C-A. GRCh37 (hg19) VCF-style: chr1-247587926-C-A.
Other names: c.1175C>A, p.Ala392Glu (NM_001079821.3, NM_001127461.3, NM_001127462.3 and 1 more transcripts); c.1181C>A, p.Ala394Glu (NM_004895.5); short protein forms A394E, A392E.
Identifiers: ClinVar variation 536883 (VCV000536883.8), dbSNP rs1553286687, ClinGen allele CA345556255.